The following is an entry in ClinVar:

NM_000222.3(KIT):c.1655T>C (p.Met552Thr)

Gene: KIT (KIT proto-oncogene, receptor tyrosine kinase; plus strand). Cytogenetic location: 4q12.
Variant type: single nucleotide variant.
Coding change: c.1655T>C on transcript NM_000222.3 (MANE Select); coding-DNA position 1655, T replaced by C.
Protein change: p.Met552Thr; replaces methionine 552 with threonine.
Molecular consequence: missense variant.
Genome position (GRCh38, 1-based): chr4:54,727,423, T>C. VCF-style: chr4-54727423-T-C. GRCh37 (hg19) VCF-style: chr4-55593589-T-C.
Other names: c.1643T>C, p.Met548Thr (NM_001093772.2, NM_001385286.1); c.1658T>C, p.Met553Thr (NM_001385284.1, NM_001385290.1); c.1655T>C, p.Met552Thr (NM_001385285.1); c.1646T>C, p.Met549Thr (NM_001385288.1, NM_001385292.1); short protein forms M552T, M548T, M549T, M553T.
Identifiers: ClinVar variation 458883 (VCV000458883.27), dbSNP rs746805825, ClinGen allele CA2923558.

ClinVar aggregate classification (germline): Conflicting classifications of pathogenicity. Review status: criteria provided, conflicting classifications (1 of 4 stars). 5 submissions from 5 submitters: Uncertain significance (4); Likely benign (1). Last evaluated 2026-05-27.

Conditions:
Hereditary cancer-predisposing syndrome. Also called: Hereditary neoplastic syndrome; Neoplastic Syndromes, Hereditary; Hereditary Cancer Syndrome; Tumor predisposition. Identifiers: Orphanet 140162, MedGen C0027672, MeSH D009386, MONDO:0015356.
Gastrointestinal stromal tumor. Also called: Gastrointestinal stromal tumor, somatic; Gastrointestinal stroma tumor. Identifiers: Orphanet 44890, MedGen C0238198, MeSH D046152, MONDO:0011719, OMIM 606764, HP:0100723.

Allele frequency attached by ClinVar (database versions not stated): ExAC 0.00001; TOPMed 0.00001; gnomAD 0.00002; gnomAD exomes 0.00002.
gnomAD v4.1: 17 of 1,614,066 alleles (0.0011%); highest among the groups gnomAD compares: Non-Finnish European, 0.0014%; no homozygotes.

Submissions (5):

Myriad Genetics, Inc.
Classification: Likely benign for Gastrointestinal stromal tumor. Last evaluated: 2026-05-27. Review status: criteria provided, single submitter. Criteria: Myriad Autosomal Dominant, Autosomal Recessive and X-Linked Classification Criteria (2023). Collection method: clinical testing. Allele origin: unknown.
Comment: This variant is considered likely benign. This variant has been observed at a population frequency that is significantly greater than expected given the associated disease prevalence and penetrance.

Labcorp Genetics (formerly Invitae), Labcorp
Classification: Uncertain significance for Gastrointestinal stromal tumor. Last evaluated: 2025-09-28. Review status: criteria provided, single submitter. Criteria: Invitae Variant Classification Sherloc (09022015). Collection method: clinical testing. Allele origin: germline.
Comment: This sequence change replaces methionine, which is neutral and non-polar, with threonine, which is neutral and polar, at codon 552 of the KIT protein (p.Met552Thr). This variant is present in population databases (rs746805825, gnomAD 0.005%). This variant has not been reported in the literature in individuals affected with KIT-related conditions. ClinVar contains an entry for this variant (Variation ID: 458883). An algorithm developed to predict the effect of missense changes on protein structure and function (PolyPhen-2) suggests that this variant is likely to be tolerated. In summary, the available evidence is currently insufficient to determine the role of this variant in disease. Therefore, it has been classified as a Variant of Uncertain Significance.

Ambry Genetics
Classification: Uncertain significance for Hereditary cancer-predisposing syndrome. Last evaluated: 2025-03-05. Review status: criteria provided, single submitter. Criteria: Ambry Variant Classification Scheme 2023. Collection method: clinical testing. Allele origin: germline.
Comment: The p.M552T variant (also known as c.1655T>C), located in coding exon 11 of the KIT gene, results from a T to C substitution at nucleotide position 1655. The methionine at codon 552 is replaced by threonine, an amino acid with similar properties. This amino acid position is not well conserved in available vertebrate species. In addition, the in silico prediction for this alteration is inconclusive. Based on the available evidence, the clinical significance of this variant remains unclear.

CeGaT Center for Human Genetics Tuebingen
Classification: Uncertain significance. Last evaluated: 2025-02-01. Review status: criteria provided, single submitter. Criteria: CeGaT Center For Human Genetics Tuebingen Variant Classification Criteria Version 2. Collection method: clinical testing. Allele origin: germline. Affected: yes. Observed: 1 variant allele.

Baylor Genetics
Classification: Uncertain significance for Gastrointestinal stromal tumor. Last evaluated: 2024-01-24. Review status: criteria provided, single submitter. Criteria: ACMG Guidelines, 2015. Collection method: clinical testing. Allele origin: unknown.